The following is an entry in ClinVar:

NM_001195553.2(DCX):c.358G>A (p.Glu120Lys)

Gene: DCX (doublecortin; minus strand). Cytogenetic location: Xq23.
Variant type: single nucleotide variant.
Coding change: c.358G>A on transcript NM_001195553.2 (MANE Select); coding-DNA position 358, G replaced by A.
Protein change: p.Glu120Lys; replaces glutamic acid 120 with lysine.
Molecular consequence: missense variant.
Genome position (GRCh38, 1-based): chrX:111,410,041, C>T on the plus strand (G>A on the coding strand, the complement: DCX is on the minus strand). VCF-style: chrX-111410041-C-T. GRCh37 (hg19) VCF-style: chrX-110653269-C-T.
Other names: c.601G>A, p.Glu201Lys (NM_000555.3); c.358G>A, p.Glu120Lys (NM_001369370.1, NM_001369371.1, NM_001369372.1 and 6 more transcripts); short protein forms E120K, E201K.
Identifiers: ClinVar variation 3389104 (VCV003389104.14).

ClinVar aggregate classification (germline): Uncertain significance (1 of 4 stars; one submission).

Submission:

CeGaT Center for Human Genetics Tuebingen
Classification: Uncertain significance. Last evaluated: 2025-01-01. Review status: criteria provided, single submitter. Criteria: CeGaT Center For Human Genetics Tuebingen Variant Classification Criteria Version 2. Collection method: clinical testing. Allele origin: germline. Affected: yes. Observed: 3 variant alleles.
Comment: DCX: PM1, PM2